The following is an entry in ClinVar:

ClinVar aggregate classification (germline): Pathogenic. Review status: criteria provided, multiple submitters, no conflicts (2 of 4 stars). 10 submissions from 10 submitters: Pathogenic (5). 5 of the submissions do not count toward it. Last evaluated 2025-09-22.

Conditions:
Diamond-Blackfan anemia. Also called: Blackfan Diamond syndrome; Aregenerative anemia chronic congenital; Red cell aplasia, pure hereditary; Congenital hypoplastic anemia; Aase syndrome. Identifiers: Orphanet 124, MedGen C1260899, MeSH D029503, MONDO:0015253, HP:0004810.
GATA binding protein 1 related thrombocytopenia with dyserythropoiesis. Also called: GATA1-Related X-Linked Cytopenia; GATA1-Related Cytopenia. Identifiers: MedGen C1845837, MONDO:0100089.
GATA1-related disorder. Also called: GATA1-related condition.
Thrombocytopenia, X-linked, with or without dyserythropoietic anemia (XLTDA). Identifiers: Orphanet 67044, MedGen C3550789, MONDO:0010308, OMIM 300367.
X-linked dyserythropoetic anemia with abnormal platelets and neutropenia. Also called: ANEMIA, X-LINKED, WITH OR WITHOUT NEUTROPENIA AND/OR PLATELET ABNORMALITIES. Identifiers: Orphanet 363727, MedGen C3550856, MONDO:0010444, OMIM 300835.
Beta-thalassemia-X-linked thrombocytopenia syndrome. Also called: THROMBOCYTOPENIA WITH BETA-THALASSEMIA, X-LINKED. Identifiers: Orphanet 231393, MedGen C1839161, MONDO:0010745, OMIM 314050.

Allele frequency attached by ClinVar (database versions not stated): gnomAD 0.00001; TOPMed below 0.00001; gnomAD exomes below 0.00001.
gnomAD v4.1: 3 of 1,209,889 alleles (0.00025%); highest among the groups gnomAD compares: Non-Finnish European, 0.00034%; no homozygotes.

Submissions (10):

Labcorp Genetics (formerly Invitae), Labcorp
Classification: Pathogenic for GATA binding protein 1 related thrombocytopenia with dyserythropoiesis; Diamond-Blackfan anemia. Last evaluated: 2025-09-22. Review status: criteria provided, single submitter. Criteria: Invitae Variant Classification Sherloc (09022015). Collection method: clinical testing. Allele origin: germline.
Comment: This sequence change replaces arginine, which is basic and polar, with glutamine, which is neutral and polar, at codon 216 of the GATA1 protein (p.Arg216Gln). This variant is not present in population databases (gnomAD no frequency). This missense change has been observed in individual(s) with thrombocytopenia (PMID: 12200364, 14691578, 17209061, 19172521). It has also been observed to segregate with disease in related individuals. ClinVar contains an entry for this variant (Variation ID: 10428). Invitae Evidence Modeling of protein sequence and biophysical properties (such as structural, functional, and spatial information, amino acid conservation, physicochemical variation, residue mobility, and thermodynamic stability) has been performed for this missense variant. However, the output from this modeling did not meet the statistical confidence thresholds required to predict the impact of this variant on GATA1 protein function. Experimental studies have shown that this missense change affects GATA1 function (PMID: 12200364, 23704091). For these reasons, this variant has been classified as Pathogenic.

Laboratorio de Genetica e Diagnostico Molecular, Hospital Israelita Albert Einstein
Classification: Pathogenic for X-linked dyserythropoetic anemia with abnormal platelets and neutropenia. Last evaluated: 2022-03-15. Review status: criteria provided, single submitter. Criteria: ACMG Guidelines, 2015. Collection method: clinical testing. Allele origin: germline. Affected: yes. Observed: 1 variant allele.
Comment: ACMG classification criteria: PS3 supporting, PS4 strong, PM2 moderated, PM5 moderated, PP1 strong, PP3 supporting

Genetic Services Laboratory, University of Chicago
Classification: Pathogenic. Last evaluated: 2021-12-01. Review status: criteria provided, single submitter. Criteria: ACMG Guidelines, 2015. Collection method: clinical testing. Allele origin: germline. Affected: yes.
Comment: DNA sequence analysis of the GATA1 gene demonstrated a sequence change, c.647G>A, in exon 4 that results in an amino acid change, p.Arg216Gln. This sequence change has not been described in population databases such as ExAC and gnomAD (dbSNP rs104894809). The p.Arg216Gln change affects a highly conserved amino acid residue located in a domain of the GATA1 protein that is known to be functional. The p.Arg216Gln substitution appears to be deleterious using several in-silico pathogenicity prediction tools (SIFT, PolyPhen2, Align GVGD, REVEL). This sequence change has been reported in several families with X-linked thrombocytopenia with thalassemia (PMID: 25421114, 12200364, 17209061, 11809723). The p.Arg216Gln amino acid change also occurs in a region of the GATA1 gene where other missense sequence changes have been described in individuals with GATA1-related thrombocytopenia (PMID: 25421114). A functional study demonstrated that the p.Arg216Gln change impairs recruitment of the TAL1 complex, impacting transcriptional activation (PMID: 23704091). Collectively, these evidences indicate that this sequence change pathogenic.

Blueprint Genetics
Classification: Pathogenic for GATA1-related disorders. Last evaluated: 2019-09-17. Review status: criteria provided, single submitter. Criteria: ACMG Guidelines, 2015. Collection method: clinical testing. Allele origin: germline. Affected: yes. Observed: 2 variant alleles.

ISTH-SSC Genomics in Thrombosis and Hemostasis, KU Leuven, Center for Molecular and Vascular Biology
Classification: Pathogenic for Thrombocytopenia, X-linked, with or without dyserythropoietic anemia. Review status: criteria provided, single submitter. Criteria: ACMG Guidelines, 2015. Collection method: clinical testing. Allele origin: germline. Affected: yes. Observed: 1 heterozygote.
Comment: Submitted to the GoldVariant database by Kathleen Freson, Center for Molecular and Vascular Biology

Zotz-Klimas Genetics Lab, MVZ Zotz Klimas
Classification: Pathogenic for Thrombocytopenia, X-linked, with or without dyserythropoietic anemia. Last evaluated: 2023-11-24. Review status: no assertion criteria provided. Collection method: clinical testing. Allele origin: germline. Affected: yes. Not counted in ClinVar's aggregate classification.

OMIM
Classification: Pathogenic for THROMBOCYTOPENIA WITH BETA-THALASSEMIA, X-LINKED. Last evaluated: 2007-10-01. Review status: no assertion criteria provided. Collection method: literature only. Allele origin: germline. Not counted in ClinVar's aggregate classification.

GeneReviews
No classification provided. Condition: Thrombocytopenia, X-linked, with or without dyserythropoietic anemia. Review status: no classification provided. Collection method: literature only. Allele origin: germline. Not counted in ClinVar's aggregate classification.
Comment: Also reported in one family with "gray platelet syndrome".

Genome Diagnostics Laboratory, University Medical Center Utrecht
Classification: Pathogenic. Review status: no assertion criteria provided. Collection method: clinical testing. Allele origin: germline. Affected: yes. Study: VKGL Data-share Consensus. Not counted in ClinVar's aggregate classification.

Joint Genome Diagnostic Labs from Nijmegen and Maastricht, Radboudumc and MUMC+
Classification: Pathogenic. Review status: no assertion criteria provided. Collection method: clinical testing. Allele origin: germline. Affected: yes. Study: VKGL Data-share Consensus. Not counted in ClinVar's aggregate classification.

Literature cited by the submitters: PubMed 12200364 (cited by Labcorp Genetics (formerly Invitae), Labcorp and OMIM); PubMed 14691578 (cited by Labcorp Genetics (formerly Invitae), Labcorp); PubMed 17209061 (cited by Labcorp Genetics (formerly Invitae), Labcorp and OMIM); PubMed 19172521 (cited by Labcorp Genetics (formerly Invitae), Labcorp); PubMed 23704091 (cited by Labcorp Genetics (formerly Invitae), Labcorp); PubMed 871527 (cited by OMIM); PubMed 17881640 (cited by OMIM); NCBI Bookshelf NBK1364 (cited by GeneReviews); PubMed 20301538 (cited by GeneReviews).

NM_002049.4(GATA1):c.647G>A (p.Arg216Gln)

Gene: GATA1 (GATA binding protein 1; plus strand). Cytogenetic location: Xp11.23.
Variant type: single nucleotide variant.
Coding change: c.647G>A on transcript NM_002049.4 (MANE Select); coding-DNA position 647, G replaced by A.
Protein change: p.Arg216Gln; replaces arginine 216 with glutamine.
Molecular consequence: missense variant.
Genome position (GRCh38, 1-based): chrX:48,792,371, G>A. VCF-style: chrX-48792371-G-A. GRCh37 (hg19) VCF-style: chrX-48650778-G-A.
Other names: R216Q.
Identifiers: ClinVar variation 10428 (VCV000010428.25), dbSNP rs104894809, ClinGen allele CA340965.
Genomic context (GRCh38, chrX:48,792,371, plus strand): 5'-CCACCCCACCAGAGGCCAGGGAGTGTGTGAACTGCGGAGCAACAGCCACTCCACTGTGGC[G>A]GAGGGACAGGACAGGCCACTACCTATGCAACGCCTGCGGCCTCTATCACAAGATGAATGG-3'
Protein context (NP_002040.1, residues 206-226): NCGATATPLW[Arg216Gln]RDRTGHYLCN